The following is an entry in ClinVar:

ClinVar aggregate classification (germline): Uncertain significance (1 of 4 stars; one submission).

Conditions:
Familial thoracic aortic aneurysm and aortic dissection (TAAD). Also called: Thoracic aortic aneurysms and dissections. Identifiers: Orphanet 91387, MedGen C4707243, MONDO:0019625.

Submission:

Color Diagnostics, LLC DBA Color Health
Classification: Uncertain significance for Familial thoracic aortic aneurysm and aortic dissection. Last evaluated: 2024-03-04. Review status: criteria provided, single submitter. Criteria: ACMG Guidelines, 2015. Collection method: clinical testing. Allele origin: germline.
Comment: This missense variant replaces proline with serine at codon 202 of the COL3A1 protein. Computational prediction suggests that this variant may not impact protein structure and function (internally defined REVEL score threshold <= 0.5, PMID: 27666373). To our knowledge, functional studies have not been reported for this variant. This variant has not been reported in individuals affected with COL3A1-related disorders in the literature. This variant has not been identified in the general population by the Genome Aggregation Database (gnomAD). The available evidence is insufficient to determine the role of this variant in disease conclusively. Therefore, this variant is classified as a Variant of Uncertain Significance.

NM_000090.4(COL3A1):c.604C>T (p.Pro202Ser)

Gene: COL3A1 (collagen type III alpha 1 chain; plus strand). Cytogenetic location: 2q32.2.
Variant type: single nucleotide variant.
Coding change: c.604C>T on transcript NM_000090.4 (MANE Select); coding-DNA position 604, C replaced by T.
Protein change: p.Pro202Ser; replaces proline 202 with serine.
Molecular consequence: missense variant.
Genome position (GRCh38, 1-based): chr2:188,988,611, C>T. VCF-style: chr2-188988611-C-T. GRCh37 (hg19) VCF-style: chr2-189853337-C-T.
Other names: short protein forms P202S.
Identifiers: ClinVar variation 3894469 (VCV003894469.1).
Genomic context (GRCh38, chr2:188,988,611, plus strand): 5'-TTTGTTACTTTAAAATTATTTACATATTCTACTCACTAGGGATCTCCAGGATACCAAGGA[C>T]CCCCTGGTGAACCTGGGCAAGCTGGTCCTTCAGTAAGTAACAATTAAATTTATATTTAGT-3'
Protein context (NP_000081.2, residues 192-212): GSPGSPGYQG[Pro202Ser]PGEPGQAGPS